The following is an entry in ClinVar:

ClinVar aggregate classification (germline): Uncertain significance (1 of 4 stars; one submission).

Conditions:
Norman-Roberts syndrome (LIS2). Also called: Lissencephaly 2 (Norman-Roberts type). Identifiers: Orphanet 89844, MedGen C0796089, MONDO:0009760, OMIM 257320.
Familial temporal lobe epilepsy 7. Identifiers: Orphanet 101046, MedGen C4225327, MONDO:0014639, OMIM 616436.

Submission:

Labcorp Genetics (formerly Invitae), Labcorp
Classification: Uncertain significance for Familial temporal lobe epilepsy 7; Norman-Roberts syndrome. Last evaluated: 2024-09-27. Review status: criteria provided, single submitter. Criteria: Invitae Variant Classification Sherloc (09022015). Collection method: clinical testing. Allele origin: germline.
Comment: This sequence change replaces histidine, which is basic and polar, with proline, which is neutral and non-polar, at codon 3069 of the RELN protein (p.His3069Pro). This variant is not present in population databases (gnomAD no frequency). This variant has not been reported in the literature in individuals affected with RELN-related conditions. Invitae Evidence Modeling of protein sequence and biophysical properties (such as structural, functional, and spatial information, amino acid conservation, physicochemical variation, residue mobility, and thermodynamic stability) indicates that this missense variant is not expected to disrupt RELN protein function with a negative predictive value of 80%. In summary, the available evidence is currently insufficient to determine the role of this variant in disease. Therefore, it has been classified as a Variant of Uncertain Significance.

NM_005045.4(RELN):c.9206A>C (p.His3069Pro)

Genes: SLC26A5-AS1 (SLC26A5 antisense RNA 1; plus strand), RELN (reelin; minus strand). Cytogenetic location: 7q22.1.
Variant type: single nucleotide variant.
Coding change: c.9206A>C on transcript NM_005045.4 (MANE Select); coding-DNA position 9206, A replaced by C.
Protein change: p.His3069Pro; replaces histidine 3069 with proline.
Molecular consequence: missense variant.
Genome position (GRCh38, 1-based): chr7:103,495,886, T>G on the plus strand (A>C on the coding strand, the complement: RELN is on the minus strand). VCF-style: chr7-103495886-T-G. GRCh37 (hg19) VCF-style: chr7-103136333-T-G.
Other names: c.9206A>C, p.His3069Pro (NM_173054.3); short protein forms H3069P.
Identifiers: ClinVar variation 3758550 (VCV003758550.2).